The following is an entry in ClinVar:

ClinVar aggregate classification (germline): Conflicting classifications of pathogenicity. Review status: criteria provided, conflicting classifications (1 of 4 stars). 5 submissions from 5 submitters: Likely pathogenic (2); Uncertain significance (2). 1 of the submissions does not count toward it. Last evaluated 2025-12-19.

Conditions:
Marfan syndrome (MFS). Also called: Marfan syndrome, classic; FBN1-Related Marfan Syndrome; Marfan syndrome type 1; Marfan's syndrome; MARFAN SYNDROME, TYPE I. Identifiers: Orphanet 284963, Orphanet 558, MedGen C0024796, MONDO:0007947, OMIM 154700.
Familial thoracic aortic aneurysm and aortic dissection (TAAD). Also called: Thoracic aortic aneurysms and dissections. Identifiers: Orphanet 91387, MedGen C4707243, MONDO:0019625.

Submissions (5):

Ambry Genetics
Classification: Uncertain significance for Familial thoracic aortic aneurysm and aortic dissection. Last evaluated: 2025-12-19. Review status: criteria provided, single submitter. Criteria: Ambry Variant Classification Scheme 2023. Collection method: clinical testing. Allele origin: germline.
Comment: The p.P2233S variant (also known as c.6697C>T), located in coding exon 54 of the FBN1 gene, results from a C to T substitution at nucleotide position 6697. The proline at codon 2233 is replaced by serine, an amino acid with similar properties. This variant was reported in individual(s) with features consistent with Marfan syndrome and related fibrillinopathies (Stengl R et al. Orphanet J Rare Dis, 2020 Oct;15:290; Guo D et al. Invest Ophthalmol Vis Sci, 2024 Jan;65:20; Ambry internal data). This amino acid position is highly conserved in available vertebrate species. In addition, this alteration is predicted to be deleterious by in silico analysis. Since supporting evidence is limited at this time, the clinical significance of this alteration remains unclear.

Clinical Genetics Laboratory, Region Ostergotland
Classification: Likely pathogenic for Marfan syndrome. Last evaluated: 2023-04-12. Review status: criteria provided, single submitter. Criteria: ACMG Guidelines, 2015. Collection method: clinical testing. Allele origin: germline. Affected: yes.
Comment: PMID:25741868 (PM2, PM5, PP4, PP1)

Labcorp Genetics (formerly Invitae), Labcorp
Classification: Likely pathogenic for Marfan syndrome; Familial thoracic aortic aneurysm and aortic dissection. Last evaluated: 2023-03-10. Review status: criteria provided, single submitter. Criteria: Invitae Variant Classification Sherloc (09022015). Collection method: clinical testing. Allele origin: germline.
Comment: This sequence change replaces proline, which is neutral and non-polar, with serine, which is neutral and polar, at codon 2233 of the FBN1 protein (p.Pro2233Ser). This variant is not present in population databases (gnomAD no frequency). This missense change has been observed in individual(s) with FBN1-related conditions (PMID: 33059708; Invitae). ClinVar contains an entry for this variant (Variation ID: 200091). Advanced modeling of protein sequence and biophysical properties (such as structural, functional, and spatial information, amino acid conservation, physicochemical variation, residue mobility, and thermodynamic stability) performed at Invitae indicates that this missense variant is expected to disrupt FBN1 protein function. This variant disrupts the p.Pro2233 amino acid residue in FBN1. Other variant(s) that disrupt this residue have been observed in individuals with FBN1-related conditions (PMID: 24199744; Invitae), which suggests that this may be a clinically significant amino acid residue. In summary, the currently available evidence indicates that the variant is pathogenic, but additional data are needed to prove that conclusively. Therefore, this variant has been classified as Likely Pathogenic.

GeneDx
Classification: Uncertain significance. Last evaluated: 2022-12-19. Review status: criteria provided, single submitter. Criteria: GeneDx Variant Classification Process June 2021. Collection method: clinical testing. Allele origin: germline. Affected: yes.
Comment: Identified in a patient with Marfan syndrome in published literature (Stengl et al., 2020); Not observed at significant frequency in large population cohorts (gnomAD); Although located in a calcium-binding EGF-like domain of the FBN1 gene, it does not affect a cysteine residue within this domain; cysteine substitutions in the calcium-binding EGF-like domains represent the majority of pathogenic missense changes associated with FBN1-related disorders (Collod-Beroud et al., 2003); In silico analysis supports that this missense variant has a deleterious effect on protein structure/function; This variant is associated with the following publications: (PMID: 33059708)

Center for Medical Genetics Ghent, University of Ghent
Classification: Uncertain significance for Marfan syndrome. Last evaluated: 2017-11-07. Review status: no assertion criteria provided. Collection method: clinical testing. Allele origin: germline. Affected: yes. Not counted in ClinVar's aggregate classification.

Literature cited by the submitters: PubMed 33059708 (cited by Ambry Genetics and Labcorp Genetics (formerly Invitae), Labcorp); PubMed 38190127 (cited by Ambry Genetics); PubMed 24199744 (cited by Labcorp Genetics (formerly Invitae), Labcorp).

NM_000138.5(FBN1):c.6697C>T (p.Pro2233Ser)

Gene: FBN1 (fibrillin 1; minus strand). Cytogenetic location: 15q21.1.
Variant type: single nucleotide variant.
Coding change: c.6697C>T on transcript NM_000138.5 (MANE Select); coding-DNA position 6697, C replaced by T.
Protein change: p.Pro2233Ser; replaces proline 2233 with serine.
Molecular consequence: missense variant.
Genome position (GRCh38, 1-based): chr15:48,432,908, G>A on the plus strand (C>T on the coding strand, the complement: FBN1 is on the minus strand). VCF-style: chr15-48432908-G-A. GRCh37 (hg19) VCF-style: chr15-48725105-G-A.
Other names: p.P2233S:CCC>TCC; short protein forms P2233S.
Identifiers: ClinVar variation 200091 (VCV000200091.19), dbSNP rs794728255, ClinGen allele CA016658.